The following is an entry in ClinVar:

ClinVar aggregate classification (germline): Likely benign (1 of 4 stars; one submission).

Allele frequency attached by ClinVar (database versions not stated): 1000 Genomes Project 0.00160; 1000 Genomes Project 30x 0.00172; gnomAD 0.00314; TOPMed 0.00321; ExAC 0.00330; ESP Exome Variant Server 0.00392; gnomAD exomes 0.00485.
gnomAD v4.1: 7,550 of 1,613,074 alleles (0.47%); highest among the groups gnomAD compares: Non-Finnish European, 0.58%; 23 homozygotes.

Submission:

CeGaT Center for Human Genetics Tuebingen
Classification: Likely benign. Last evaluated: 2023-12-01. Review status: criteria provided, single submitter. Criteria: CeGaT Center For Human Genetics Tuebingen Variant Classification Criteria Version 2. Collection method: clinical testing. Allele origin: germline. Affected: yes. Observed: 2 variant alleles.
Comment: PARP4: BP4

NM_006437.4(PARP4):c.506T>G (p.Val169Gly)

Gene: PARP4 (poly(ADP-ribose) polymerase family member 4; minus strand). Cytogenetic location: 13q12.12.
Variant type: single nucleotide variant.
Coding change: c.506T>G on transcript NM_006437.4 (MANE Select); coding-DNA position 506, T replaced by G.
Protein change: p.Val169Gly; replaces valine 169 with glycine.
Molecular consequence: missense variant.
Genome position (GRCh38, 1-based): chr13:24,498,201, A>C on the plus strand (T>G on the coding strand, the complement: PARP4 is on the minus strand). VCF-style: chr13-24498201-A-C. GRCh37 (hg19) VCF-style: chr13-25072339-A-C.
Other names: short protein forms V169G.
Identifiers: ClinVar variation 2643691 (VCV002643691.24), dbSNP rs116847311, ClinGen allele CA6916461.